The following is an entry in ClinVar:

ClinVar aggregate classification (germline): Likely benign. Review status: criteria provided, multiple submitters, no conflicts (2 of 4 stars). 3 submissions from 3 submitters: Likely benign (3). Last evaluated 2025-01-03.

Conditions:
MAPKBP1-related disorder. Also called: MAPKBP1-related condition.

Allele frequency attached by ClinVar (database versions not stated): ExAC 0.00002; gnomAD exomes 0.00004; gnomAD 0.00005; TOPMed 0.00008; ESP Exome Variant Server 0.00015.
gnomAD v4.1: 75 of 1,613,976 alleles (0.0046%); highest among the groups gnomAD compares: African/African-American, 0.011%; no homozygotes.

Submissions (3):

PreventionGenetics, part of Exact Sciences
Classification: Likely benign for MAPKBP1-related condition. Last evaluated: 2025-01-03. Review status: criteria provided, single submitter. Criteria: ACMG Guidelines, 2015. Collection method: clinical testing. Allele origin: germline.
Comment: This variant is classified as likely benign based on ACMG/AMP sequence variant interpretation guidelines (Richards et al. 2015 PMID: 25741868, with internal and published modifications).

Blueprint Genetics
Classification: Likely benign. Last evaluated: 2024-06-03. Review status: criteria provided, single submitter. Criteria: ACMG Guidelines, 2015. Collection method: clinical testing. Allele origin: germline.

Labcorp Genetics (formerly Invitae), Labcorp
Classification: Likely benign. Last evaluated: 2023-03-04. Review status: criteria provided, single submitter. Criteria: Invitae Variant Classification Sherloc (09022015). Collection method: clinical testing. Allele origin: germline.

NM_014994.3(MAPKBP1):c.345C>T (p.Ala115=)

Gene: MAPKBP1 (mitogen-activated protein kinase binding protein 1; plus strand). Cytogenetic location: 15q15.1.
Variant type: single nucleotide variant.
Coding change: c.345C>T on transcript NM_014994.3 (MANE Select); coding-DNA position 345, C replaced by T.
Protein change: p.Ala115=; no amino-acid change (alanine 115 retained).
Molecular consequence: synonymous variant. On other transcripts: non-coding transcript variant (2).
Genome position (GRCh38, 1-based): chr15:41,811,974, C>T. VCF-style: chr15-41811974-C-T. GRCh37 (hg19) VCF-style: chr15-42104172-C-T.
Other names: c.345C>T, p.Ala115= (NM_001128608.2, NM_001265611.2); c.345C>T (NM_001128608.1).
Identifiers: ClinVar variation 2970865 (VCV002970865.5), dbSNP rs368331252, ClinGen allele CA7497536.